The following is an entry in ClinVar:

ClinVar aggregate classification (germline): Uncertain significance. Review status: criteria provided, multiple submitters, no conflicts (2 of 4 stars). 3 submissions from 3 submitters: Uncertain significance (3). Last evaluated 2026-01-21.

Conditions:
Hereditary cancer-predisposing syndrome. Also called: Neoplastic Syndromes, Hereditary; Hereditary neoplastic syndrome; Tumor predisposition; Hereditary Cancer Syndrome. Identifiers: Orphanet 140162, MedGen C0027672, MeSH D009386, MONDO:0015356.
Oligodontia-cancer predisposition syndrome. Also called: TOOTH AGENESIS-COLORECTAL CANCER SYNDROME. Identifiers: Orphanet 300576, MedGen C1837750, MONDO:0012075, OMIM 608615. Disease mechanism: loss of function.

Allele frequency attached by ClinVar (database versions not stated): gnomAD exomes below 0.00001; gnomAD 0.00001; TOPMed 0.00001.
gnomAD v4.1: 8 of 1,601,410 alleles (0.0005%); highest among the groups gnomAD compares: South Asian, 0.0023%; no homozygotes.

Submissions (3):

Labcorp Genetics (formerly Invitae), Labcorp
Classification: Uncertain significance for Oligodontia-cancer predisposition syndrome. Last evaluated: 2026-01-21. Review status: criteria provided, single submitter. Criteria: Invitae Variant Classification Sherloc (09022015). Collection method: clinical testing. Allele origin: germline.
Comment: This sequence change replaces aspartic acid, which is acidic and polar, with asparagine, which is neutral and polar, at codon 278 of the AXIN2 protein (p.Asp278Asn). The frequency data for this variant in the population databases is considered unreliable, as metrics indicate poor data quality at this position in the gnomAD database. This variant has not been reported in the literature in individuals affected with AXIN2-related conditions. ClinVar contains an entry for this variant (Variation ID: 240036). Invitae Evidence Modeling of protein sequence and biophysical properties (such as structural, functional, and spatial information, amino acid conservation, physicochemical variation, residue mobility, and thermodynamic stability) indicates that this missense variant is not expected to disrupt AXIN2 protein function with a negative predictive value of 80%. In summary, the available evidence is currently insufficient to determine the role of this variant in disease. Therefore, it has been classified as a Variant of Uncertain Significance.

Quest Diagnostics Nichols Institute San Juan Capistrano
Classification: Uncertain significance. Last evaluated: 2025-10-17. Review status: criteria provided, single submitter. Criteria: Quest Diagnostics criteria. Collection method: clinical testing. Allele origin: unknown.
Comment: The AXIN2 c.832G>A (p.Asp278Asn) variant has not been reported in individuals with AXIN2-related conditions in the published literature. The frequency of this variant in the general population (Genome Aggregation Database) is uninformative in the assessment of its pathogenicity. Analysis of this variant using bioinformatics tools for the prediction of the effect of amino acid changes on protein structure and function yielded predictions that this variant is benign. Based on the available information, we are unable to determine the clinical significance of this variant.

Ambry Genetics
Classification: Uncertain significance for Hereditary cancer-predisposing syndrome. Last evaluated: 2024-08-05. Review status: criteria provided, single submitter. Criteria: Ambry Variant Classification Scheme 2023. Collection method: clinical testing. Allele origin: germline.

NM_004655.4(AXIN2):c.832G>A (p.Asp278Asn)

Gene: AXIN2 (axin 2; minus strand). Cytogenetic location: 17q24.1.
Variant type: single nucleotide variant.
Coding change: c.832G>A on transcript NM_004655.4 (MANE Select); coding-DNA position 832, G replaced by A.
Protein change: p.Asp278Asn; replaces aspartic acid 278 with asparagine.
Molecular consequence: missense variant.
Genome position (GRCh38, 1-based): chr17:65,549,644, C>T on the plus strand (G>A on the coding strand, the complement: AXIN2 is on the minus strand). VCF-style: chr17-65549644-C-T. GRCh37 (hg19) VCF-style: chr17-63545762-C-T.
Other names: c.832G>A, p.Asp278Asn (NM_001363813.1); c.832G>A (LRG_296t1); short protein forms D278N.
Identifiers: ClinVar variation 240036 (VCV000240036.13), dbSNP rs878854737, ClinGen allele CA10583657.